The following is an entry in ClinVar:

NM_000219.6(KCNE1):c.275A>G (p.Lys92Arg)

Gene: KCNE1 (potassium voltage-gated channel subfamily E regulatory subunit 1; minus strand). Cytogenetic location: 21q22.12.
Variant type: single nucleotide variant.
Coding change: c.275A>G on transcript NM_000219.6 (MANE Select); coding-DNA position 275, A replaced by G.
Protein change: p.Lys92Arg; replaces lysine 92 with arginine.
Molecular consequence: missense variant.
Genome position (GRCh38, 1-based): chr21:34,449,360, T>C on the plus strand (A>G on the coding strand, the complement: KCNE1 is on the minus strand). VCF-style: chr21-34449360-T-C. GRCh37 (hg19) VCF-style: chr21-35821658-T-C.
Other names: c.275A>G, p.Lys92Arg (NM_001127668.4, NM_001127669.4, NM_001127670.4 and 4 more transcripts); short protein forms K92R.
Identifiers: ClinVar variation 2119464 (VCV002119464.3), dbSNP rs2516762939, ClinGen allele CA410198123.
Genomic context (GRCh38, chr21:34,449,360, plus strand): 5'-TGGTTTTCAACGACATAGCACGACCTGTAGCTCTCCAGGACCCGGGCCTGGACATAGGCC[T>C]TGTCCTTCTCTTGCCAGGCATCGGACTCGATGTAGACGTTGAATGGGTCGTTCGAGTGCT-3'
Protein context (NP_000210.2, residues 82-102): IESDAWQEKD[Lys92Arg]AYVQARVLES

ClinVar aggregate classification (germline): Uncertain significance (1 of 4 stars; one submission).

Conditions:
Long QT syndrome (LQTS). Identifiers: MedGen C0023976, MeSH D008133, MONDO:0002442. Disease mechanism: loss of function. Inheritance: Various modes of inheritance.

Submissions (2):

Labcorp Genetics (formerly Invitae), Labcorp
Classification: Uncertain significance for Long QT syndrome. Last evaluated: 2022-05-27. Review status: criteria provided, single submitter. Criteria: Invitae Variant Classification Sherloc (09022015). Collection method: clinical testing. Allele origin: germline.
Comment: This sequence change replaces lysine, which is basic and polar, with arginine, which is basic and polar, at codon 92 of the KCNE1 protein (p.Lys92Arg). This variant is not present in population databases (gnomAD no frequency). This variant has not been reported in the literature in individuals affected with KCNE1-related conditions. Algorithms developed to predict the effect of missense changes on protein structure and function output the following: SIFT: "Tolerated"; PolyPhen-2: "Benign"; Align-GVGD: "Class C0". The arginine amino acid residue is found in multiple mammalian species, which suggests that this missense change does not adversely affect protein function. In summary, the available evidence is currently insufficient to determine the role of this variant in disease. Therefore, it has been classified as a Variant of Uncertain Significance.

Roden Lab, Vanderbilt University Medical Center
No classification provided (evidence only). Condition: Long QT syndrome 5. Review status: no classification provided. Collection method: in vitro. Allele origin: not applicable. Functional consequence: Effect on ion channel function. Not counted in ClinVar's aggregate classification.
ClinVar note: "not provided" was previously submitted as the classification for the variant. However, the classification appeared to be based only on an observation of functional data so it was converted to no classification on 2025-07-30.